The following is an entry in ClinVar:

ClinVar aggregate classification (germline): Conflicting classifications of pathogenicity. Review status: criteria provided, conflicting classifications (1 of 4 stars). 2 submissions from 2 submitters: Uncertain significance (1); Likely benign (1). Last evaluated 2023-06-07.

Conditions:
Maturity-onset diabetes of the young (MODY). Also called: Maturity onset diabetes mellitus in young. Identifiers: Orphanet 552, MedGen C0342276, MONDO:0018911, HP:0004904.

Allele frequency attached by ClinVar (database versions not stated): ExAC 0.00002.
gnomAD v4.1: 11 of 1,613,160 alleles (0.00068%); highest among the groups gnomAD compares: Middle Eastern, 0.017%; no homozygotes.

Submissions (2):

Labcorp Genetics (formerly Invitae), Labcorp
Classification: Likely benign. Last evaluated: 2023-06-07. Review status: criteria provided, single submitter. Criteria: Invitae Variant Classification Sherloc (09022015). Collection method: clinical testing. Allele origin: germline.

Dept of Medical Genetics, AP-HP Sorbonne University, Pitié-Salpêtrière hospital
Classification: Uncertain significance for MODY. Last evaluated: 2022-11-01. Review status: criteria provided, single submitter. Criteria: ACMG Guidelines, 2015. Collection method: clinical testing. Allele origin: germline. Affected: yes.
Comment: minigene showed no effet on RNA splicing. BS3

NM_000545.8(HNF1A):c.713+10C>T

Gene: HNF1A (HNF1 homeobox A; plus strand). Cytogenetic location: 12q24.31.
Variant type: single nucleotide variant.
Coding change: c.713+10C>T on transcript NM_000545.8 (MANE Select); 10 bases into the intron after coding-DNA position 713, C replaced by T.
Molecular consequence: intron variant.
Genome position (GRCh38, 1-based): chr12:120,993,716, C>T. VCF-style: chr12-120993716-C-T. GRCh37 (hg19) VCF-style: chr12-121431519-C-T.
Other names: c.713+10C>T (NM_001306179.2, NM_001406915.1).
Identifiers: ClinVar variation 2580867 (VCV002580867.4), dbSNP rs200502496, ClinGen allele CA6831802.
Genomic context (GRCh38, chr12:120,993,716, plus strand): 5'-GAAGAACCCTAGCAAGGAGGAGCGAGAGACGCTAGTGGAGGAGTGCAATAGGTACAACGG[C>T]GGGCGGGAAACAGTGCTGGTTTGGTCTGGGCTGCGGCAAGGCCAGGGAAGGGGAAGGTGA-3'